The following is an entry in ClinVar:

ClinVar aggregate classification (germline): Uncertain significance (1 of 4 stars; one submission).

Conditions:
Early-infantile DEE. Also called: Early infantile epileptic encephalopathy; Ohtahara syndrome; Early infantile epileptic encephalopathy with suppression bursts. Identifiers: Orphanet 1934, MedGen C0393706, MONDO:0800491.

Allele frequency attached by ClinVar (database versions not stated): 1000 Genomes Project 30x 0.00016.

Submission:

Labcorp Genetics (formerly Invitae), Labcorp
Classification: Uncertain significance for Early-infantile DEE. Last evaluated: 2019-07-31. Review status: criteria provided, single submitter. Criteria: Invitae Variant Classification Sherloc (09022015). Collection method: clinical testing. Allele origin: germline.
Comment: This sequence change affects codon 1235 of the SCN1A mRNA. It is a 'silent' change, meaning that it does not change the encoded amino acid sequence of the SCN1A protein. This variant also falls at the last nucleotide of exon 18 of the SCN1A coding sequence, which is part of the consensus splice site for this exon. This variant is not present in population databases (ExAC no frequency). This variant has not been reported in the literature in individuals with SCN1A-related conditions. Nucleotide substitutions within the consensus splice site are a relatively common cause of aberrant splicing (PMID: 17576681, 9536098). Algorithms developed to predict the effect of sequence changes on RNA splicing suggest that this variant may disrupt the consensus splice site, but this prediction has not been confirmed by published transcriptional studies. In summary, the available evidence is currently insufficient to determine the role of this variant in disease. Therefore, it has been classified as a Variant of Uncertain Significance.

Literature cited by the submitters: PubMed 17576681; PubMed 9536098.

NM_001165963.4(SCN1A):c.3705G>C (p.Leu1235=)

Genes: SCN1A (sodium voltage-gated channel alpha subunit 1; minus strand), LOC102724058 (uncharacterized LOC102724058; plus strand). Cytogenetic location: 2q24.3.
Variant type: single nucleotide variant.
Coding change: c.3705G>C on transcript NM_001165963.4 (MANE Select); coding-DNA position 3705, G replaced by C.
Protein change: p.Leu1235=; no amino-acid change (leucine 1235 retained).
Molecular consequence: synonymous variant. On other transcripts: non-coding transcript variant (1).
Genome position (GRCh38, 1-based): chr2:166,013,744, C>G on the plus strand (G>C on the coding strand, the complement: SCN1A is on the minus strand). VCF-style: chr2-166013744-C-G. GRCh37 (hg19) VCF-style: chr2-166870254-C-G.
Other names: c.3621G>C, p.Leu1207= (NM_001165964.3, NM_001353957.2, NM_001353958.2); c.3705G>C, p.Leu1235= (NM_001202435.3, NM_001353948.2); c.3672G>C, p.Leu1224= (NM_001353949.2, NM_001353950.2, NM_001353951.2 and 2 more transcripts); c.3669G>C, p.Leu1223= (NM_001353954.2, NM_001353955.2); c.3618G>C, p.Leu1206= (NM_001353960.2); c.1263G>C, p.Leu421= (NM_001353961.2).
Identifiers: ClinVar variation 934879 (VCV000934879.9), dbSNP rs1251252995, ClinGen allele CA429897630.